The following is an entry in ClinVar:

NM_007294.4(BRCA1):c.2347A>G (p.Ile783Val)

Gene: BRCA1 (BRCA1 DNA repair associated; minus strand). Cytogenetic location: 17q21.31.
Variant type: single nucleotide variant.
Coding change: c.2347A>G on transcript NM_007294.4 (MANE Select); coding-DNA position 2347, A replaced by G.
Protein change: p.Ile783Val; replaces isoleucine 783 with valine.
Molecular consequence: missense variant. On other transcripts: intron variant (137).
Genome position (GRCh38, 1-based): chr17:43,093,184, T>C on the plus strand (A>G on the coding strand, the complement: BRCA1 is on the minus strand). VCF-style: chr17-43093184-T-C. GRCh37 (hg19) VCF-style: chr17-41245201-T-C.
Other names: p.I783V:ATC>GTC; c.2206A>G, p.Ile736Val (NM_001407736.1, NM_001407737.1, NM_001407738.1 and 29 more transcripts); c.2203A>G, p.Ile735Val (NM_001407740.1, NM_001407741.1, NM_001407742.1 and 20 more transcripts); c.2134A>G, p.Ile712Val (NM_001407853.1, NM_001407894.1, NM_001407895.1 and 9 more transcripts); c.2347A>G, p.Ile783Val (NM_001407854.1, NM_001407858.1, NM_001407859.1 and 30 more transcripts); c.2344A>G, p.Ile782Val (NM_001407860.1, NM_001407861.1, NM_001407587.1 and 22 more transcripts); c.2146A>G, p.Ile716Val (NM_001407862.1); c.2224A>G, p.Ile742Val (NM_001407863.1, NM_001407919.1, NM_001407937.1 and 19 more transcripts); and 42 more; short protein forms I783V, I736V, I695V, I712V, I715V, I780V, I656V, I671V.
Identifiers: ClinVar variation 54541 (VCV000054541.28), dbSNP rs80356948, ClinGen allele CA001565.
Genomic context (GRCh38, chr17:43,093,184, plus strand): 5'-TCACACATTTATTTGGTTCTGTTTTTGCCTTCCCTAGAGTGCTAACTTCCAGTAACGAGA[T>C]ACTTTCCTGAGTGCCATAATCAGTACCAGGTACCAATGAAATACTGCTACTCTCTACAGA-3'
Protein context (NP_009225.1, residues 773-793): PGTDYGTQES[Ile783Val]SLLEVSTLGK

ClinVar aggregate classification (germline): Benign/Likely benign. Review status: criteria provided, multiple submitters, no conflicts (2 of 4 stars). 13 submissions from 13 submitters: Benign (4); Likely benign (5). 4 of the submissions do not count toward it. Last evaluated 2026-03-20.

Conditions:
BRCA1-related disorder. Also called: BRCA1-related condition.
Hereditary cancer-predisposing syndrome. Also called: Tumor predisposition; Neoplastic Syndromes, Hereditary; Hereditary Cancer Syndrome; Hereditary neoplastic syndrome. Identifiers: Orphanet 140162, MedGen C0027672, MeSH D009386, MONDO:0015356.
Hereditary breast ovarian cancer syndrome. Also called: Hereditary breast and ovarian cancer syndrome (HBOC); Hereditary breast and ovarian cancer syndrome; Hereditary breast and ovarian cancer; Hereditary breast and/or ovarian cancer syndrome; Breast and ovarian cancer; BRCA1- and BRCA2-Associated Hereditary Breast and Ovarian Cancer. Identifiers: Orphanet 145, MedGen C0677776, MeSH D061325, MONDO:0003582. Disease mechanism: loss of function.
Breast-ovarian cancer, familial, susceptibility to, 1 (BROVCA1). Also called: OVARIAN CANCER, SUSCEPTIBILITY TO; BRCA1 Hereditary Breast and Ovarian Cancer. Identifiers: Orphanet 145, MedGen C2676676, MONDO:0011450, OMIM 604370. Disease mechanism: loss of function.
Malignant tumor of breast. Also called: Malignant breast neoplasm; Cancer breast. Identifiers: MedGen C0006142, MONDO:0007254. Disease mechanism: loss of function.

Allele frequency attached by ClinVar (database versions not stated): gnomAD 0.00001; ExAC 0.00008; gnomAD exomes 0.00001 and 0.00007; TOPMed 0.00002.
gnomAD v4.1: 18 of 1,613,836 alleles (0.0011%); highest among the groups gnomAD compares: East Asian, 0.036%; no homozygotes.

Submissions (13):

PreventionGenetics, part of Exact Sciences
Classification: Likely benign for BRCA1-related condition. Last evaluated: 2026-03-20. Review status: criteria provided, single submitter. Criteria: ACMG Guidelines, 2015. Collection method: clinical testing. Allele origin: germline.
Comment: This variant is classified as likely benign based on ACMG/AMP sequence variant interpretation guidelines (Richards et al. 2015 PMID: 25741868, with internal and published modifications).

Labcorp Genetics (formerly Invitae), Labcorp
Classification: Likely benign for Hereditary breast ovarian cancer syndrome. Last evaluated: 2026-01-19. Review status: criteria provided, single submitter. Criteria: Invitae Variant Classification Sherloc (09022015). Collection method: clinical testing. Allele origin: germline.

Women's Health and Genetics/Laboratory Corporation of America, LabCorp
Classification: Likely benign. Last evaluated: 2025-08-28. Review status: criteria provided, single submitter. Criteria: LabCorp Variant Classification Summary - May 2015. Collection method: clinical testing. Allele origin: germline.
Comment: Variant summary: BRCA1 c.2347A>G (p.Ile783Val) results in a conservative amino acid change in the encoded protein sequence. Algorithms developed to predict the effect of missense changes on protein structure and function all suggest that this variant is likely to be tolerated. The variant is present in the control population dataset at an overall frequency 0.000072, exclusively in individuals of East Asian ancestry. The latter frequency exceeds the estimated maximum allele frequency for a pathogenic allele in this gene. c.2347A>G has been observed in individual(s) affected with Hereditary Breast And Ovarian Cancer Syndrome and control cohorts, without strong evidence for causality (Judkins_2005, Kurian_2008, Okawa_2023, Kwong_2024, Fortuno_2024). These report(s) do not provide unequivocal conclusions about association of the variant with Hereditary Breast And Ovarian Cancer Syndrome. To our knowledge, no experimental evidence demonstrating an impact on protein function has been reported. The following publications have been ascertained in the context of this evaluation (PMID: 15385441, 39402389, 16267036, 18779604, 39202057, 36243179, 14973102). ClinVar contains an entry for this variant (Variation ID: 54541). Based on the evidence outlined above, the variant was classified as likely benign.

Quest Diagnostics Nichols Institute San Juan Capistrano
Classification: Benign. Last evaluated: 2024-05-22. Review status: criteria provided, single submitter. Criteria: Quest Diagnostics criteria. Collection method: clinical testing. Allele origin: unknown.

All of Us Research Program, National Institutes of Health
Classification: Benign for Breast-ovarian cancer, familial, susceptibility to, 1. Last evaluated: 2023-03-23. Review status: criteria provided, single submitter. Criteria: ACMG Guidelines, 2015. Collection method: clinical testing. Allele origin: germline. Inheritance: Autosomal dominant inheritance. Observed: 1 variant allele, 1 heterozygote.
Comment: This study involves interpretation of variants in research participants for the purpose of population health screening. Participant phenotype was not available at the time of variant classification. Additional details can be found in publication PMID: 35346344, PMCID: PMC8962531

University of Washington Department of Laboratory Medicine, University of Washington
Classification: Likely benign for Hereditary cancer-predisposing syndrome. Last evaluated: 2023-03-23. Review status: criteria provided, single submitter. Criteria: Dines et al. (Genet Med. 2020). Collection method: curation. Allele origin: germline.
Comment: Missense variant in a coldspot region where missense variants are very unlikely to be pathogenic (PMID:31911673).

BRCA1 coldspot (exon 11 using historical exon numbering). Reclassification based on statistical prior probability

GeneDx
Classification: Likely benign. Last evaluated: 2019-10-30. Review status: criteria provided, single submitter. Criteria: GeneDx Variant Classification Process June 2021. Collection method: clinical testing. Allele origin: germline. Affected: yes.
Comment: This variant is associated with the following publications: (PMID: 30702160, 18779604, 14973102, 16267036, 15385441, 31825140)

Color Diagnostics, LLC DBA Color Health
Classification: Benign for Hereditary cancer-predisposing syndrome. Last evaluated: 2016-09-23. Review status: criteria provided, single submitter. Criteria: ACMG Guidelines, 2015. Collection method: clinical testing. Allele origin: germline.

Ambry Genetics
Classification: Benign for Hereditary cancer-predisposing syndrome. Last evaluated: 2015-08-29. Review status: criteria provided, single submitter. Criteria: Ambry Variant Classification Scheme 2023. Collection method: clinical testing. Allele origin: germline.

Counsyl
Classification: Uncertain significance for Breast-ovarian cancer, familial, susceptibility to, 1. Last evaluated: 2015-12-18. Review status: no assertion criteria provided. Collection method: clinical testing. Allele origin: unknown. Not counted in ClinVar's aggregate classification.

Sharing Clinical Reports Project (SCRP)
Classification: Benign for Breast-ovarian cancer, familial 1. Last evaluated: 2012-05-01. Review status: no assertion criteria provided. Collection method: clinical testing. Allele origin: germline. Not counted in ClinVar's aggregate classification.

Breast Cancer Information Core (BIC) (BRCA1)
Classification: Uncertain significance for Breast-ovarian cancer, familial 1. Last evaluated: 2004-02-20. Review status: no assertion criteria provided. Collection method: clinical testing. Allele origin: germline. Affected: yes. Observed: 1 variant allele. Not counted in ClinVar's aggregate classification.

Department of Pathology and Laboratory Medicine, Sinai Health System
Classification: Benign for Malignant tumor of breast. Review status: no assertion criteria provided. Collection method: clinical testing. Allele origin: unknown. Affected: yes. Study: The Canadian Open Genetics Repository (COGR). Not counted in ClinVar's aggregate classification.
Comment: The BRCA1 p.Ile783Val variant was identified in at least 2 of 11262 probands referred for BRCA1/2 testing due to a personal history of early onset breast or ovarian cancer, and/or a family history of breast and/or ovarian cancer (Kurian 2008, Judkins 2005); however control chromosomes from healthy individuals were not evaluated in these studies. It is listed in the dbSNP database (rs80356948) but no frequency information was provided, thus the prevalence of this variant in the general population could not be determined. Computational analyses (PolyPhen-2, SIFT, AlignGVGD, BLOSUM, MutationTaster) do not suggest a high likelihood of impact to the protein; however, this information is not predictive enough to rule out pathogenicity. The p.Ile783 residue is not conserved in mammals and the variant amino acid valine (Val) is present in mouse, increasing the likelihood that this variant does not have clinical significance. In addition, the variant was classified as benign by the Sharing Clinical Reports Project (SCRP) (submitted within the ClinVar database and derived from Myriad reports). In summary, based on the above information, this variant meets our laboratory's criteria to be classified as benign.

Literature cited by the submitters: PubMed 16267036 (cited by 3 submitters); PubMed 15385441 (cited by 3 submitters); PubMed 14973102 (cited by 3 submitters); PubMed 18779604 (cited by 3 submitters); PubMed 36243179 (cited by Women's Health and Genetics/Laboratory Corporation of America, LabCorp and Quest Diagnostics Nichols Institute San Juan Capistrano); PubMed 39402389 (cited by Women's Health and Genetics/Laboratory Corporation of America, LabCorp); PubMed 39202057 (cited by Women's Health and Genetics/Laboratory Corporation of America, LabCorp); PubMed 31911673 (cited by Quest Diagnostics Nichols Institute San Juan Capistrano); PubMed 34326862 (cited by Quest Diagnostics Nichols Institute San Juan Capistrano); PubMed 34981296 (cited by Quest Diagnostics Nichols Institute San Juan Capistrano); PubMed 35641994 (cited by Quest Diagnostics Nichols Institute San Juan Capistrano); PubMed 32546644 (cited by Quest Diagnostics Nichols Institute San Juan Capistrano); PubMed 31825140 (cited by Quest Diagnostics Nichols Institute San Juan Capistrano); PubMed 30702160 (cited by Quest Diagnostics Nichols Institute San Juan Capistrano); PubMed 30287823 (cited by Quest Diagnostics Nichols Institute San Juan Capistrano); PubMed 26295337 (cited by Quest Diagnostics Nichols Institute San Juan Capistrano).